The following is an entry in ClinVar:

ClinVar aggregate classification (germline): Uncertain significance (0 of 4 stars; one submission).

Conditions:
ATP8B1-related disorder. Also called: ATP8B1-related condition; ATP8B1-related disorders.

gnomAD v4.1: 11 of 1,598,746 alleles (0.00069%); highest among the groups gnomAD compares: African/African-American, 0.015%; no homozygotes.

Submission:

PreventionGenetics, part of Exact Sciences
Classification: Uncertain significance for ATP8B1-related condition. Last evaluated: 2024-05-10. Review status: no assertion criteria provided. Collection method: clinical testing. Allele origin: germline.
Comment: The ATP8B1 c.2095A>C variant is predicted to result in the amino acid substitution p.Ile699Leu. To our knowledge, this variant has not been reported in the literature. This variant is reported in 0.016% of alleles in individuals of African descent in gnomAD. At this time, the clinical significance of this variant is uncertain due to the absence of conclusive functional and genetic evidence.

NM_001374385.1(ATP8B1):c.2095A>C (p.Ile699Leu)

Gene: ATP8B1 (ATPase phospholipid transporting 8B1; minus strand). Cytogenetic location: 18q21.31.
Variant type: single nucleotide variant.
Coding change: c.2095A>C on transcript NM_001374385.1 (MANE Select); coding-DNA position 2095, A replaced by C.
Protein change: p.Ile699Leu; replaces isoleucine 699 with leucine.
Molecular consequence: missense variant.
Genome position (GRCh38, 1-based): chr18:57,669,320, T>G on the plus strand (A>C on the coding strand, the complement: ATP8B1 is on the minus strand). VCF-style: chr18-57669320-T-G. GRCh37 (hg19) VCF-style: chr18-55336552-T-G.
Other names: c.1945A>C, p.Ile649Leu (NM_001374386.1); c.2095A>C, p.Ile699Leu (NM_005603.6); short protein forms I649L, I699L.
Identifiers: ClinVar variation 3358740 (VCV003358740.1).